The following is an entry in ClinVar:

ClinVar aggregate classification (germline): Uncertain significance (1 of 4 stars; one submission).

Conditions:
Hereditary cancer-predisposing syndrome. Also called: Hereditary Cancer Syndrome; Hereditary neoplastic syndrome; Neoplastic Syndromes, Hereditary; Tumor predisposition. Identifiers: Orphanet 140162, MedGen C0027672, MeSH D009386, MONDO:0015356.

Submission:

Ambry Genetics
Classification: Uncertain significance for Hereditary cancer-predisposing syndrome. Last evaluated: 2025-06-08. Review status: criteria provided, single submitter. Criteria: Ambry Variant Classification Scheme 2023. Collection method: clinical testing. Allele origin: germline.
Comment: The p.A18G variant (also known as c.53C>G), located in coding exon 2 of the MRE11A gene, results from a C to G substitution at nucleotide position 53. The alanine at codon 18 is replaced by glycine, an amino acid with similar properties. This amino acid position is conserved. In addition, this alteration is predicted to be deleterious by in silico analysis. Based on the available evidence, the clinical significance of this variant remains unclear.

NM_005591.4(MRE11):c.53C>G (p.Ala18Gly)

Gene: MRE11 (MRE11 double strand break repair nuclease; minus strand). Cytogenetic location: 11q21.
Variant type: single nucleotide variant.
Coding change: c.53C>G on transcript NM_005591.4 (MANE Select); coding-DNA position 53, C replaced by G.
Protein change: p.Ala18Gly; replaces alanine 18 with glycine.
Molecular consequence: missense variant.
Genome position (GRCh38, 1-based): chr11:94,490,933, G>C on the plus strand (C>G on the coding strand, the complement: MRE11 is on the minus strand). VCF-style: chr11-94490933-G-C. GRCh37 (hg19) VCF-style: chr11-94224099-G-C.
Other names: c.53C>G, p.Ala18Gly (NM_001330347.2, NM_005590.4); short protein forms A18G.
Identifiers: ClinVar variation 3912862 (VCV003912862.1).